The following is an entry in ClinVar:

ClinVar aggregate classification (germline): Pathogenic. Review status: criteria provided, single submitter (1 of 4 stars). 2 submissions from 2 submitters: Pathogenic (1). 1 of the submissions does not count toward it. Last evaluated 2020-03-13.

Conditions:
3-hydroxy-3-methylglutaryl-CoA synthase deficiency (HMGCS2D). Also called: HMGCS2 DEFICIENCY; MITOCHONDRIAL HMG-CoA SYNTHASE DEFICIENCY; HMG-CoA synthase-2 deficiency. Identifiers: Orphanet 35701, MedGen C2751532, MONDO:0011614, OMIM 605911.

Allele frequency attached by ClinVar (database versions not stated): gnomAD exomes 0.00001 and below 0.00001; ExAC 0.00001; gnomAD 0.00001; TOPMed 0.00002.
gnomAD v4.1: 10 of 1,613,842 alleles (0.00062%); highest among the groups gnomAD compares: African/African-American, 0.0067%; no homozygotes.

Submissions (2):

Center of Excellence in Precision Medicine and Digital Health (CEPMDH), Faculty of Dentistry, Chulalongkorn University
Classification: Pathogenic for 3-hydroxy-3-methylglutaryl-CoA synthase deficiency. Last evaluated: 2020-03-13. Review status: criteria provided, single submitter. Criteria: ACMG Guidelines, 2015. Collection method: research. Allele origin: paternal. Inheritance: Autosomal recessive inheritance. Affected: yes. Observed: 1 variant allele, 1 compound heterozygote.

OMIM
Classification: Pathogenic for MITOCHONDRIAL HMG-CoA SYNTHASE DEFICIENCY. Last evaluated: 2021-07-26. Review status: no assertion criteria provided. Collection method: literature only. Allele origin: germline. Not counted in ClinVar's aggregate classification.

Literature cited by the submitters: PubMed 33045405 (cited by OMIM).

NM_005518.4(HMGCS2):c.1480C>T (p.Arg494Ter)

Gene: HMGCS2 (3-hydroxy-3-methylglutaryl-CoA synthase 2; minus strand). Cytogenetic location: 1p12.
Variant type: single nucleotide variant.
Coding change: c.1480C>T on transcript NM_005518.4 (MANE Select); coding-DNA position 1480, C replaced by T.
Protein change: p.Arg494Ter; replaces arginine 494 with a stop codon.
Molecular consequence: nonsense.
Genome position (GRCh38, 1-based): chr1:119,750,849, G>A on the plus strand (C>T on the coding strand, the complement: HMGCS2 is on the minus strand). VCF-style: chr1-119750849-G-A. GRCh37 (hg19) VCF-style: chr1-120293472-G-A.
Other names: c.1354C>T, p.Arg452Ter (NM_001166107.1); short protein forms R452*, R494*.
Identifiers: ClinVar variation 827683 (VCV000827683.3), dbSNP rs776399237, ClinGen allele CA1037529.
Genomic context (GRCh38, chr1:119,750,849, plus strand): 5'-TCACTCACCACCTTTAGACGGGACGCCGGGCATACTTTCGGCGATGCTGCTCGTCCACTC[G>A]CTCCAGGTACCAAGTACCTGGGAAAAGGCTGTTTGTGTCACCAGGTGGGGAGAAATTCAC-3'